The following is an entry in ClinVar:

NM_004329.3(BMPR1A):c.1166+15G>T

Gene: BMPR1A (bone morphogenetic protein receptor type 1A; plus strand). Cytogenetic location: 10q23.2.
Variant type: single nucleotide variant.
Coding change: c.1166+15G>T on transcript NM_004329.3 (MANE Select); 15 bases into the intron after coding-DNA position 1166, G replaced by T.
Molecular consequence: intron variant.
Genome position (GRCh38, 1-based): chr10:86,919,484, G>T. VCF-style: chr10-86919484-G-T. GRCh37 (hg19) VCF-style: chr10-88679241-G-T.
Identifiers: ClinVar variation 516992 (VCV000516992.9), dbSNP rs1554891118, ClinGen allele CA658797469.

ClinVar aggregate classification (germline): Likely benign. Review status: criteria provided, multiple submitters, no conflicts (2 of 4 stars). 2 submissions from 2 submitters: Likely benign (2). Last evaluated 2025-05-18.

Conditions:
Juvenile polyposis syndrome (JPS). Identifiers: Orphanet 2929, MedGen C0345893, MONDO:0017380, OMIM 174900.

Allele frequency attached by ClinVar (database versions not stated): gnomAD exomes below 0.00001; gnomAD 0.00001; TOPMed 0.00001.
gnomAD v4.1: 2 of 1,612,704 alleles (0.00012%); highest among the groups gnomAD compares: Non-Finnish European, 0.00017%; no homozygotes.

Submissions (2):

Labcorp Genetics (formerly Invitae), Labcorp
Classification: Likely benign for Juvenile polyposis syndrome. Last evaluated: 2025-05-18. Review status: criteria provided, single submitter. Criteria: Invitae Variant Classification Sherloc (09022015). Collection method: clinical testing. Allele origin: germline.

GeneDx
Classification: Likely benign. Last evaluated: 2017-09-01. Review status: criteria provided, single submitter. Criteria: GeneDx Variant Classification (06012015). Collection method: clinical testing. Allele origin: germline. Affected: yes.
Comment: This variant is considered likely benign or benign based on one or more of the following criteria: it is a conservative change, it occurs at a poorly conserved position in the protein, it is predicted to be benign by multiple in silico algorithms, and/or has population frequency not consistent with disease.